The following is an entry in ClinVar:

ClinVar aggregate classification (germline): Uncertain significance (1 of 4 stars; one submission).

Allele frequency attached by ClinVar (database versions not stated): gnomAD exomes 0.00001; gnomAD 0.00003; TOPMed 0.00005.
gnomAD v4.1: 26 of 1,537,096 alleles (0.0017%); highest among the groups gnomAD compares: Admixed American, 0.0098%; no homozygotes.

Submission:

Greenwood Genetic Center Diagnostic Laboratories, Greenwood Genetic Center
Classification: Uncertain significance. Last evaluated: 2023-05-08. Review status: criteria provided, single submitter. Criteria: ACMG Guidelines, 2015. Collection method: clinical testing. Allele origin: germline. Affected: yes.
Comment: Gene of Uncertain Significance

NM_020759.3(STARD9):c.13916G>A (p.Arg4639His)

Gene: STARD9 (StAR related lipid transfer domain containing 9; plus strand). Cytogenetic location: 15q15.2.
Variant type: single nucleotide variant.
Coding change: c.13916G>A on transcript NM_020759.3 (MANE Select); coding-DNA position 13916, G replaced by A.
Protein change: p.Arg4639His; replaces arginine 4639 with histidine.
Molecular consequence: missense variant.
Genome position (GRCh38, 1-based): chr15:42,718,825, G>A. VCF-style: chr15-42718825-G-A. GRCh37 (hg19) VCF-style: chr15-43011023-G-A.
Other names: short protein forms R4639H.
Identifiers: ClinVar variation 2572198 (VCV002572198.1), dbSNP rs925883641, ClinGen allele CA269891762.